The following is an entry in ClinVar:

NM_000704.3(ATP4A):c.1733C>G (p.Pro578Arg)

Gene: ATP4A (ATPase H+/K+ transporting subunit alpha; minus strand). Cytogenetic location: 19q13.12.
Variant type: single nucleotide variant.
Coding change: c.1733C>G on transcript NM_000704.3 (MANE Select); coding-DNA position 1733, C replaced by G.
Protein change: p.Pro578Arg; replaces proline 578 with arginine.
Molecular consequence: missense variant.
Genome position (GRCh38, 1-based): chr19:35,557,049, G>C on the plus strand (C>G on the coding strand, the complement: ATP4A is on the minus strand). VCF-style: chr19-35557049-G-C. GRCh37 (hg19) VCF-style: chr19-36047951-G-C.
Other names: short protein forms P578R.
Identifiers: ClinVar variation 4753193 (VCV004753193.1).

ClinVar aggregate classification (germline): Uncertain significance (1 of 4 stars; one submission).

Submission:

Labcorp Genetics (formerly Invitae), Labcorp
Classification: Uncertain significance. Last evaluated: 2025-04-06. Review status: criteria provided, single submitter. Criteria: Invitae Variant Classification Sherloc (09022015). Collection method: clinical testing. Allele origin: germline.
Comment: This sequence change replaces proline, which is neutral and non-polar, with arginine, which is basic and polar, at codon 578 of the ATP4A protein (p.Pro578Arg). This variant is present in population databases (rs771335770, gnomAD 0.003%). This variant has not been reported in the literature in individuals affected with ATP4A-related conditions. An algorithm developed to predict the effect of missense changes on protein structure and function outputs the following: PolyPhen-2: "Benign". The arginine amino acid residue is found in multiple mammalian species, which suggests that this missense change does not adversely affect protein function. In summary, the available evidence is currently insufficient to determine the role of this variant in disease. Therefore, it has been classified as a Variant of Uncertain Significance.